The following is an entry in ClinVar:

ClinVar aggregate classification (germline): Uncertain significance (1 of 4 stars; one submission).

Allele frequency attached by ClinVar (database versions not stated): gnomAD exomes below 0.00001.

Submission:

Labcorp Genetics (formerly Invitae), Labcorp
Classification: Uncertain significance. Last evaluated: 2021-08-04. Review status: criteria provided, single submitter. Criteria: Invitae Variant Classification Sherloc (09022015). Collection method: clinical testing. Allele origin: germline.
Comment: Algorithms developed to predict the effect of missense changes on protein structure and function are either unavailable or do not agree on the potential impact of this missense change (SIFT: "Tolerated"; PolyPhen-2: "Probably Damaging"; Align-GVGD: "Class C0"). This variant has not been reported in the literature in individuals with GEN1-related conditions. This variant is not present in population databases (ExAC no frequency). This sequence change replaces aspartic acid with asparagine at codon 176 of the GEN1 protein (p.Asp176Asn). The aspartic acid residue is moderately conserved and there is a small physicochemical difference between aspartic acid and asparagine. In summary, the available evidence is currently insufficient to determine the role of this variant in disease. Therefore, it has been classified as a Variant of Uncertain Significance.

NM_001130009.3(GEN1):c.526G>A (p.Asp176Asn)

Gene: GEN1 (GEN1 structure-specific endonuclease; plus strand). Cytogenetic location: 2p24.2.
Variant type: single nucleotide variant.
Coding change: c.526G>A on transcript NM_001130009.3 (MANE Select); coding-DNA position 526, G replaced by A.
Protein change: p.Asp176Asn; replaces aspartic acid 176 with asparagine.
Molecular consequence: missense variant.
Genome position (GRCh38, 1-based): chr2:17,766,579, G>A. VCF-style: chr2-17766579-G-A. GRCh37 (hg19) VCF-style: chr2-17947846-G-A.
Other names: c.526G>A, p.Asp176Asn (NM_182625.5); short protein forms D176N.
Identifiers: ClinVar variation 1035007 (VCV001035007.8), dbSNP rs1195226740, ClinGen allele CA345911690.
Genomic context (GRCh38, chr2:17,766,579, plus strand): 5'-GTGGTTTAATGTATAAATATGTACTTTTTGAGGATTAAACTAAATCTGTTCTTTCTTTAG[G>A]ACCCACATGTTGACTGTTACACAATGTCATCTATCAAGAGTAAACTAGGTTTGGATAGAG-3'
Protein context (NP_001123481.3, residues 166-186): VYRNFTMNTK[Asp176Asn]PHVDCYTMSS